The following is an entry in ClinVar:

ClinVar aggregate classification (germline): Likely benign (0 of 4 stars; one submission).

Conditions:
NRP1-related disorder. Also called: NRP1-related condition.

gnomAD v4.1: 1 of 1,614,200 alleles (0.000062%); highest among the groups gnomAD compares: South Asian, 0.0011%; no homozygotes.

Submission:

PreventionGenetics, part of Exact Sciences
Classification: Likely benign for NRP1-related condition. Last evaluated: 2022-07-15. Review status: no assertion criteria provided. Collection method: clinical testing. Allele origin: germline.
Comment: This variant is classified as likely benign based on ACMG/AMP sequence variant interpretation guidelines (Richards et al. 2015 PMID: 25741868, with internal and published modifications).

NM_003873.7(NRP1):c.768A>G (p.Glu256=)

Gene: NRP1 (neuropilin 1; minus strand). Cytogenetic location: 10p11.22.
Variant type: single nucleotide variant.
Coding change: c.768A>G on transcript NM_003873.7 (MANE Select); coding-DNA position 768, A replaced by G.
Protein change: p.Glu256=; no amino-acid change (glutamic acid 256 retained).
Molecular consequence: synonymous variant. On other transcripts: non-coding transcript variant (1).
Genome position (GRCh38, 1-based): chr10:33,256,362, T>C on the plus strand (A>G on the coding strand, the complement: NRP1 is on the minus strand). VCF-style: chr10-33256362-T-C. GRCh37 (hg19) VCF-style: chr10-33545290-T-C.
Other names: c.768A>G, p.Glu256= (NM_001024628.3, NM_001024629.3, NM_001244972.2 and 2 more transcripts).
Identifiers: ClinVar variation 3353854 (VCV003353854.1).